The following is an entry in ClinVar:

NM_005502.4(ABCA1):c.4433C>T (p.Pro1478Leu)

Gene: ABCA1 (ATP binding cassette subfamily A member 1; minus strand). Cytogenetic location: 9q31.1.
Variant type: single nucleotide variant.
Coding change: c.4433C>T on transcript NM_005502.4 (MANE Select); coding-DNA position 4433, C replaced by T.
Protein change: p.Pro1478Leu; replaces proline 1478 with leucine.
Molecular consequence: missense variant.
Genome position (GRCh38, 1-based): chr9:104,806,272, G>A on the plus strand (C>T on the coding strand, the complement: ABCA1 is on the minus strand). VCF-style: chr9-104806272-G-A. GRCh37 (hg19) VCF-style: chr9-107568553-G-A.
Other names: short protein forms P1478L.
Identifiers: ClinVar variation 1740573 (VCV001740573.3), dbSNP rs962976305, ClinGen allele CA197370872.

ClinVar aggregate classification (germline): Uncertain significance (1 of 4 stars; one submission).

Conditions:
Cardiovascular phenotype. Identifiers: MedGen CN230736.

Allele frequency attached by ClinVar (database versions not stated): gnomAD exomes below 0.00001; TOPMed 0.00001.
gnomAD v4.1: 2 of 1,613,682 alleles (0.00012%); highest among the groups gnomAD compares: Admixed American, 0.0033%; no homozygotes.

Submission:

Ambry Genetics
Classification: Uncertain significance for Cardiovascular phenotype. Last evaluated: 2025-08-24. Review status: criteria provided, single submitter. Criteria: Ambry Variant Classification Scheme 2023. Collection method: clinical testing. Allele origin: germline.
Comment: The p.P1478L variant (also known as c.4433C>T), located in coding exon 30 of the ABCA1 gene, results from a C to T substitution at nucleotide position 4433. The proline at codon 1478 is replaced by leucine, an amino acid with similar properties. This amino acid position is conserved. In addition, this alteration is predicted to be deleterious by in silico analysis. Since supporting evidence is limited at this time, the clinical significance of this alteration remains unclear.